The following is an entry in ClinVar:

NM_001378452.1(ITPR1):c.5867C>T (p.Ala1956Val)

Gene: ITPR1 (inositol 1,4,5-trisphosphate receptor type 1; plus strand). Cytogenetic location: 3p26.1.
Variant type: single nucleotide variant.
Coding change: c.5867C>T on transcript NM_001378452.1 (MANE Select); coding-DNA position 5867, C replaced by T.
Protein change: p.Ala1956Val; replaces alanine 1956 with valine.
Molecular consequence: missense variant.
Genome position (GRCh38, 1-based): chr3:4,768,652, C>T. VCF-style: chr3-4768652-C-T. GRCh37 (hg19) VCF-style: chr3-4810336-C-T.
Other names: c.5723C>T, p.Ala1908Val (NM_001099952.4); c.5822C>T, p.Ala1941Val (NM_001168272.2); c.5678C>T, p.Ala1893Val (NM_002222.7); short protein forms A1941V, A1893V, A1908V, A1956V.
Identifiers: ClinVar variation 586052 (VCV000586052.6), dbSNP rs769041115, ClinGen allele CA2232451.

ClinVar aggregate classification (germline): Uncertain significance. Review status: criteria provided, multiple submitters, no conflicts (2 of 4 stars). 2 submissions from 2 submitters: Uncertain significance (2). Last evaluated 2024-10-17.

Allele frequency attached by ClinVar (database versions not stated): gnomAD exomes 0.00001 and 0.00003; ExAC 0.00002.
gnomAD v4.1: 43 of 1,614,036 alleles (0.0027%); highest among the groups gnomAD compares: Non-Finnish European, 0.0036%; no homozygotes.

Submissions (2):

Labcorp Genetics (formerly Invitae), Labcorp
Classification: Uncertain significance. Last evaluated: 2024-10-17. Review status: criteria provided, single submitter. Criteria: Invitae Variant Classification Sherloc (09022015). Collection method: clinical testing. Allele origin: germline.
Comment: This sequence change replaces alanine, which is neutral and non-polar, with valine, which is neutral and non-polar, at codon 1893 of the ITPR1 protein (p.Ala1893Val). This variant is present in population databases (rs769041115, gnomAD 0.002%). This variant has not been reported in the literature in individuals affected with ITPR1-related conditions. ClinVar contains an entry for this variant (Variation ID: 586052). Invitae Evidence Modeling of protein sequence and biophysical properties (such as structural, functional, and spatial information, amino acid conservation, physicochemical variation, residue mobility, and thermodynamic stability) indicates that this missense variant is not expected to disrupt ITPR1 protein function with a negative predictive value of 95%. In summary, the available evidence is currently insufficient to determine the role of this variant in disease. Therefore, it has been classified as a Variant of Uncertain Significance.

Athena Diagnostics
Classification: Uncertain significance. Last evaluated: 2018-02-27. Review status: criteria provided, single submitter. Criteria: Athena Diagnostics Criteria. Collection method: clinical testing. Allele origin: germline.